The following is an entry in ClinVar:

NM_000530.8(MPZ):c.67+4A>G

Gene: MPZ (myelin protein zero; minus strand). Cytogenetic location: 1q23.3.
Variant type: single nucleotide variant.
Coding change: c.67+4A>G on transcript NM_000530.8 (MANE Select); 4 bases into the intron after coding-DNA position 67, A replaced by G.
Molecular consequence: intron variant.
Genome position (GRCh38, 1-based): chr1:161,309,835, T>C on the plus strand (A>G on the coding strand, the complement: MPZ is on the minus strand). VCF-style: chr1-161309835-T-C. GRCh37 (hg19) VCF-style: chr1-161279625-T-C.
Other names: c.67+4A>G (NM_001315491.2).
Identifiers: ClinVar variation 1052863 (VCV001052863.10), dbSNP rs1571822765, ClinGen allele CA1202693297.

ClinVar aggregate classification (germline): Uncertain significance. Review status: criteria provided, multiple submitters, no conflicts (2 of 4 stars). 2 submissions from 2 submitters: Uncertain significance (2). Last evaluated 2025-04-14.

Conditions:
Inborn genetic diseases. Identifiers: MedGen C0950123, MeSH D030342.
Charcot-Marie-Tooth disease, type I (CMT1). Also called: Charcot-Marie-Tooth, Type 1; Charcot-Marie-Tooth disease type 1. Identifiers: Orphanet 65753, MedGen C0751036, MONDO:0019011.

Submissions (2):

Ambry Genetics
Classification: Uncertain significance for Inborn genetic diseases. Last evaluated: 2025-04-14. Review status: criteria provided, single submitter. Criteria: Ambry Variant Classification Scheme 2023. Collection method: clinical testing. Allele origin: germline.
Comment: The c.67+4A>G intronic alteration results from an A to G substitution 4 nucleotides after coding exon 1 of the MPZ gene. This variant was not reported in population-based cohorts in the Genome Aggregation Database (gnomAD). This nucleotide position is highly conserved in available vertebrate species. In silico splice site analysis predicts that this alteration will not have any significant effect on splicing. Based on insufficient or conflicting evidence, the clinical significance of this alteration remains unclear.

Labcorp Genetics (formerly Invitae), Labcorp
Classification: Uncertain significance for Charcot-Marie-Tooth disease, type I. Last evaluated: 2024-07-15. Review status: criteria provided, single submitter. Criteria: Invitae Variant Classification Sherloc (09022015). Collection method: clinical testing. Allele origin: germline.
Comment: This sequence change falls in intron 1 of the MPZ gene. It does not directly change the encoded amino acid sequence of the MPZ protein. It affects a nucleotide within the consensus splice site. This variant is not present in population databases (gnomAD no frequency). This variant has been observed in individual(s) with Charcot-Marie-Tooth disease (PMID: 34925207). This variant has been observed in at least one individual who was not affected with MPZ-related conditions (Invitae). ClinVar contains an entry for this variant (Variation ID: 1052863). Variants that disrupt the consensus splice site are a relatively common cause of aberrant splicing (PMID: 17576681, 9536098). Algorithms developed to predict the effect of sequence changes on RNA splicing suggest that this variant may disrupt the consensus splice site. In summary, the available evidence is currently insufficient to determine the role of this variant in disease. Therefore, it has been classified as a Variant of Uncertain Significance.

Literature cited by the submitters: PubMed 34925207 (cited by Labcorp Genetics (formerly Invitae), Labcorp); PubMed 17576681 (cited by Labcorp Genetics (formerly Invitae), Labcorp); PubMed 9536098 (cited by Labcorp Genetics (formerly Invitae), Labcorp).